The following is an entry in ClinVar:

ClinVar aggregate classification (germline): Uncertain significance (1 of 4 stars; one submission).

Conditions:
Inborn genetic diseases. Identifiers: MedGen C0950123, MeSH D030342.

Submission:

Ambry Genetics
Classification: Uncertain significance for Inborn genetic diseases. Last evaluated: 2024-03-27. Review status: criteria provided, single submitter. Criteria: Ambry Variant Classification Scheme 2023. Collection method: clinical testing. Allele origin: germline.
Comment: The p.N184K variant (also known as c.552C>G), located in coding exon 5 of the EPAS1 gene, results from a C to G substitution at nucleotide position 552. The asparagine at codon 184 is replaced by lysine, an amino acid with similar properties. This amino acid position is conserved. In addition, this alteration is predicted to be tolerated by in silico analysis. Based on the available evidence, the clinical significance of this alteration remains unclear.

NM_001430.5(EPAS1):c.552C>G (p.Asn184Lys)

Genes: EPAS1 (endothelial PAS domain protein 1; plus strand), LOC126806210 (BRD4-independent group 4 enhancer GRCh37_chr2:46587586-46588785; plus strand). Cytogenetic location: 2p21.
Variant type: single nucleotide variant.
Coding change: c.552C>G on transcript NM_001430.5 (MANE Select); coding-DNA position 552, C replaced by G.
Protein change: p.Asn184Lys; replaces asparagine 184 with lysine.
Molecular consequence: missense variant.
Genome position (GRCh38, 1-based): chr2:46,360,735, C>G. VCF-style: chr2-46360735-C-G. GRCh37 (hg19) VCF-style: chr2-46587874-C-G.
Other names: short protein forms N184K.
Identifiers: ClinVar variation 3275688 (VCV003275688.1).
Genomic context (GRCh38, chr2:46,360,735, plus strand): 5'-AGAGCGGGACTTCTTCATGAGGATGAAGTGCACGGTCACCAACAGAGGCCGTACTGTCAA[C>G]CTCAAGTCAGCCACCTGGAAGGTAGGGCAACATCAGGCCTGGGTTGGAGTCCCAGGTGTA-3'
Protein context (NP_001421.2, residues 174-194): CTVTNRGRTV[Asn184Lys]LKSATWKVLH